The following is an entry in ClinVar:

ClinVar aggregate classification (germline): Uncertain significance. Review status: criteria provided, multiple submitters, no conflicts (2 of 4 stars). 2 submissions from 2 submitters: Uncertain significance (2). Last evaluated 2026-01-19.

Conditions:
Hereditary cancer-predisposing syndrome. Also called: Hereditary neoplastic syndrome; Neoplastic Syndromes, Hereditary; Tumor predisposition; Hereditary Cancer Syndrome. Identifiers: Orphanet 140162, MedGen C0027672, MeSH D009386, MONDO:0015356.
Tuberous sclerosis 2 (TSC2). Identifiers: Orphanet 805, MedGen C1860707, MONDO:0013199, OMIM 613254.

Submissions (2):

Labcorp Genetics (formerly Invitae), Labcorp
Classification: Uncertain significance for Tuberous sclerosis 2. Last evaluated: 2026-01-19. Review status: criteria provided, single submitter. Criteria: Invitae Variant Classification Sherloc (09022015). Collection method: clinical testing. Allele origin: germline.
Comment: This sequence change replaces aspartic acid, which is acidic and polar, with glutamic acid, which is acidic and polar, at codon 1705 of the TSC2 protein (p.Asp1705Glu). This variant is not present in population databases (gnomAD no frequency). This variant has not been reported in the literature in individuals affected with TSC2-related conditions. ClinVar contains an entry for this variant (Variation ID: 468139). Invitae Evidence Modeling of protein sequence and biophysical properties (such as structural, functional, and spatial information, amino acid conservation, physicochemical variation, residue mobility, and thermodynamic stability) indicates that this missense variant is not expected to disrupt TSC2 protein function with a negative predictive value of 95%. In summary, the available evidence is currently insufficient to determine the role of this variant in disease. Therefore, it has been classified as a Variant of Uncertain Significance.

Ambry Genetics
Classification: Uncertain significance for Hereditary cancer-predisposing syndrome. Last evaluated: 2023-09-12. Review status: criteria provided, single submitter. Criteria: Ambry Variant Classification Scheme 2023. Collection method: clinical testing. Allele origin: germline.
Comment: The p.D1705E variant (also known as c.5115C>A), located in coding exon 39 of the TSC2 gene, results from a C to A substitution at nucleotide position 5115. The aspartic acid at codon 1705 is replaced by glutamic acid, an amino acid with highly similar properties. This amino acid position is conserved. In addition, the in silico prediction for this alteration is inconclusive. Since supporting evidence is limited at this time, the clinical significance of this alteration remains unclear.

NM_000548.5(TSC2):c.5115C>A (p.Asp1705Glu)

Gene: TSC2 (TSC complex subunit 2; plus strand). Cytogenetic location: 16p13.3.
Variant type: single nucleotide variant.
Coding change: c.5115C>A on transcript NM_000548.5 (MANE Select); coding-DNA position 5115, C replaced by A.
Protein change: p.Asp1705Glu; replaces aspartic acid 1705 with glutamic acid.
Molecular consequence: missense variant.
Genome position (GRCh38, 1-based): chr16:2,088,094, C>A. VCF-style: chr16-2088094-C-A. GRCh37 (hg19) VCF-style: chr16-2138095-C-A.
Other names: c.4986C>A, p.Asp1662Glu (NM_021055.3, NM_001370405.1); c.4914C>A, p.Asp1638Glu (NM_001077183.3); c.5046C>A, p.Asp1682Glu (NM_001114382.3); c.4806C>A, p.Asp1602Glu (NM_001318827.2); c.4770C>A, p.Asp1590Glu (NM_001318829.2); c.4383C>A, p.Asp1461Glu (NM_001318831.2); c.4947C>A, p.Asp1649Glu (NM_001318832.2); c.4917C>A, p.Asp1639Glu (NM_001363528.2); and 1 more; short protein forms D1705E, D1649E, D1461E, D1590E, D1602E, D1638E, D1662E, D1639E.
Identifiers: ClinVar variation 468139 (VCV000468139.10), dbSNP rs1385591764, ClinGen allele CA394312327.
Genomic context (GRCh38, chr16:2,088,094, plus strand): 5'-CCAAGTCTCCCCAGACATGGAGGGCCTTGTGGACACCAGCGTGGCCAAGATCGTGTCTGA[C>A]CGCAACCTGCCCTTCGTGGCCCGCCAGATGGCCCTGCACGCAAATGTGAGTGGGGGTGGG-3'
Protein context (NP_000539.2, residues 1695-1715): VDTSVAKIVS[Asp1705Glu]RNLPFVARQM